The following is an entry in ClinVar:

ClinVar aggregate classification (germline): Uncertain significance (1 of 4 stars; one submission).

Allele frequency attached by ClinVar (database versions not stated): gnomAD exomes below 0.00001 and 0.00001; TOPMed 0.00001; gnomAD 0.00002.
gnomAD v4.1: 5 of 1,590,510 alleles (0.00031%); highest among the groups gnomAD compares: Admixed American, 0.0052%; no homozygotes.

Submission:

Labcorp Genetics (formerly Invitae), Labcorp
Classification: Uncertain significance. Last evaluated: 2024-04-12. Review status: criteria provided, single submitter. Criteria: Invitae Variant Classification Sherloc (09022015). Collection method: clinical testing. Allele origin: germline.
Comment: This sequence change replaces glutamine, which is neutral and polar, with glutamic acid, which is acidic and polar, at codon 166 of the NEDD4L protein (p.Gln166Glu). This variant is present in population databases (no rsID available, gnomAD 0.006%). This variant has not been reported in the literature in individuals affected with NEDD4L-related conditions. ClinVar contains an entry for this variant (Variation ID: 959562). Advanced modeling of protein sequence and biophysical properties (such as structural, functional, and spatial information, amino acid conservation, physicochemical variation, residue mobility, and thermodynamic stability) performed at Invitae indicates that this missense variant is not expected to disrupt NEDD4L protein function with a negative predictive value of 80%. In summary, the available evidence is currently insufficient to determine the role of this variant in disease. Therefore, it has been classified as a Variant of Uncertain Significance.

NM_001144967.3(NEDD4L):c.496C>G (p.Gln166Glu)

Gene: NEDD4L (NEDD4 like E3 ubiquitin protein ligase; plus strand). Cytogenetic location: 18q21.31.
Variant type: single nucleotide variant.
Coding change: c.496C>G on transcript NM_001144967.3 (MANE Select); coding-DNA position 496, C replaced by G.
Protein change: p.Gln166Glu; replaces glutamine 166 with glutamic acid.
Molecular consequence: missense variant.
Genome position (GRCh38, 1-based): chr18:58,323,317, C>G. VCF-style: chr18-58323317-C-G. GRCh37 (hg19) VCF-style: chr18-55990549-C-G.
Other names: c.133C>G, p.Gln45Glu (NM_001144964.1, NM_001144965.2, NM_001144966.3 and 2 more transcripts); c.472C>G, p.Gln158Glu (NM_001144968.2, NM_001144969.2); c.496C>G, p.Gln166Glu (NM_001243960.2, NM_015277.6); short protein forms Q45E, Q158E, Q166E.
Identifiers: ClinVar variation 959562 (VCV000959562.11), dbSNP rs1339990901, ClinGen allele CA402552209.